The following is an entry in ClinVar:

ClinVar aggregate classification (germline): Uncertain significance (1 of 4 stars; one submission).

gnomAD v4.1: 1 of 1,609,216 alleles (0.000062%); highest among the groups gnomAD compares: African/African-American, 0.0013%; no homozygotes.

Submission:

Ambry Genetics
Classification: Uncertain significance. Last evaluated: 2024-03-28. Review status: criteria provided, single submitter. Criteria: Ambry Variant Classification Scheme 2023. Collection method: clinical testing. Allele origin: germline.
Comment: The p.V96M variant (also known as c.286G>A), located in coding exon 5 of the FAM175A gene, results from a G to A substitution at nucleotide position 286. The valine at codon 96 is replaced by methionine, an amino acid with highly similar properties. This amino acid position is conserved. In addition, this alteration is predicted to be tolerated by in silico analysis. Based on the available evidence, the clinical significance of this alteration remains unclear.

NM_139076.3(ABRAXAS1):c.286G>A (p.Val96Met)

Gene: ABRAXAS1 (abraxas 1, BRCA1 A complex subunit; minus strand). Cytogenetic location: 4q21.23.
Variant type: single nucleotide variant.
Coding change: c.286G>A on transcript NM_139076.3 (MANE Select); coding-DNA position 286, G replaced by A.
Protein change: p.Val96Met; replaces valine 96 with methionine.
Molecular consequence: missense variant. On other transcripts: 5 prime UTR variant (1).
Genome position (GRCh38, 1-based): chr4:83,470,393, C>T on the plus strand (G>A on the coding strand, the complement: ABRAXAS1 is on the minus strand). VCF-style: chr4-83470393-C-T. GRCh37 (hg19) VCF-style: chr4-84391546-C-T.
Other names: c.-42G>A (NM_001345962.2); short protein forms V96M.
Identifiers: ClinVar variation 3333218 (VCV003333218.1).